The following is an entry in ClinVar:

ClinVar aggregate classification (germline): Pathogenic (1 of 4 stars; one submission).

Conditions:
Neurofibromatosis, type 1 (NF1). Also called: Peripheral type neurofibromatosis; VON RECKLINGHAUSEN DISEASE; Neurofibromatosis, type I; NEUROFIBROMATOSIS, TYPE I, SOMATIC. Identifiers: Orphanet 636, MedGen C0027831, MONDO:0018975, OMIM 162200. Disease mechanism: loss of function.

Allele frequency attached by ClinVar (database versions not stated): ExAC 0.00001.

Submission:

Labcorp Genetics (formerly Invitae), Labcorp
Classification: Pathogenic for Neurofibromatosis, type 1. Last evaluated: 2025-07-27. Review status: criteria provided, single submitter. Criteria: Invitae Variant Classification Sherloc (09022015). Collection method: clinical testing. Allele origin: germline.
Comment: This sequence change creates a premature translational stop signal (p.Trp571*) in the NF1 gene. It is expected to result in an absent or disrupted protein product. Loss-of-function variants in NF1 are known to be pathogenic (PMID: 10712197, 23913538). This variant is not present in population databases (gnomAD no frequency). This premature translational stop signal has been observed in individual(s) with clinical features of neurofibromatosis type 1 (PMID: 16786508). Invitae Evidence Modeling of clinical and family history, age, sex, and reported ancestry of multiple individuals with this NF1 variant has been performed. This variant is expected to be pathogenic with a positive predictive value of at least 99%. This is a validated machine learning model that incorporates the clinical features of 1,785,918 individuals referred to our laboratory for NF1 testing. ClinVar contains an entry for this variant (Variation ID: 842188). Algorithms developed to predict the effect of sequence changes on RNA splicing suggest that this variant may disrupt the consensus splice site. For these reasons, this variant has been classified as Pathogenic.

Literature cited by the submitters: PubMed 10712197; PubMed 23913538; PubMed 16786508.

NM_001042492.3(NF1):c.1712G>A (p.Trp571Ter)

Gene: NF1 (neurofibromin 1; plus strand). Cytogenetic location: 17q11.2.
Variant type: single nucleotide variant.
Coding change: c.1712G>A on transcript NM_001042492.3 (MANE Select); coding-DNA position 1712, G replaced by A.
Protein change: p.Trp571Ter; replaces tryptophan 571 with a stop codon.
Molecular consequence: nonsense.
Genome position (GRCh38, 1-based): chr17:31,221,920, G>A. VCF-style: chr17-31221920-G-A. GRCh37 (hg19) VCF-style: chr17-29548938-G-A.
Other names: c.1712G>A, p.Trp571Ter (NM_000267.4, NM_001128147.3); short protein forms W571*.
Identifiers: ClinVar variation 842188 (VCV000842188.5), dbSNP rs761199437, ClinGen allele CA8485825.